The following is an entry in ClinVar:

NM_000257.4(MYH7):c.5208G>C (p.Gln1736His)

Genes: MHRT (myosin heavy chain associated RNA transcript; plus strand), MYH7 (myosin heavy chain 7; minus strand), LOC126861897 (BRD4-independent group 4 enhancer GRCh37_chr14:23884455-23885654; plus strand). Cytogenetic location: 14q11.2.
Variant type: single nucleotide variant.
Coding change: c.5208G>C on transcript NM_000257.4 (MANE Select); coding-DNA position 5208, G replaced by C.
Protein change: p.Gln1736His; replaces glutamine 1736 with histidine.
Molecular consequence: missense variant. On other transcripts: non-coding transcript variant (1).
Genome position (GRCh38, 1-based): chr14:23,415,456, C>G on the plus strand (G>C on the coding strand, the complement: MYH7 is on the minus strand). VCF-style: chr14-23415456-C-G. GRCh37 (hg19) VCF-style: chr14-23884665-C-G.
Other names: c.5208G>C (LRG_384t1); short protein forms Q1736H.
Identifiers: ClinVar variation 312891 (VCV000312891.15), dbSNP rs886050416, ClinGen allele CA10645045.

ClinVar aggregate classification (germline): Uncertain significance. Review status: criteria provided, multiple submitters, no conflicts (2 of 4 stars). 5 submissions from 2 submitters: Uncertain significance (5). Last evaluated 2018-10-10.

Conditions:
MYH7-related skeletal myopathy. Also called: Myopathy, distal, 1; MYOPATHY, DISTAL, EARLY-ONSET, AUTOSOMAL DOMINANT; MYOPATHY, LATE DISTAL HEREDITARY; Laing distal myopathy; Laing early-onset distal myopathy. Identifiers: Orphanet 59135, MedGen C4552004, MONDO:0008050, OMIM 160500.
Hypertrophic cardiomyopathy 1 (CMH1). Also called: Familial hypertrophic cardiomyopathy 1; MYH7-Related Familial Hypertrophic Cardiomyopathy. Identifiers: MedGen C3495498, MONDO:0008647, OMIM 192600.
Dilated cardiomyopathy 1S (CMD1S). Identifiers: Orphanet 154, Orphanet 54260, MedGen C1834481, MONDO:0013262, OMIM 613426.
Myosin storage myopathy (CMYO7A). Also called: MYOPATHY, HYALINE BODY, AUTOSOMAL DOMINANT; Scapuloperoneal myopathy, MYH7-related; MYOPATHY WITH LYSIS OF TYPE I MYOFIBRILS; SCAPULOPERONEAL MUSCULAR DYSTROPHY; SCAPULOPERONEAL SYNDROME, MYOPATHIC TYPE; MYH7-related late-onset scapuloperoneal muscular dystrophy. Identifiers: Orphanet 437572, Orphanet 636965, MedGen C1842160, MONDO:0008409, OMIM 608358.
Hypertrophic cardiomyopathy. Also called: HYPERTROPHIC MYOCARDIOPATHY. Identifiers: Orphanet 217569, MedGen C0007194, MeSH D002312, MONDO:0005045, HP:0001639.

Allele frequency attached by ClinVar (database versions not stated): gnomAD exomes below 0.00001.
gnomAD v4.1: 5 of 1,614,236 alleles (0.00031%); highest among the groups gnomAD compares: Non-Finnish European, 0.00042%; no homozygotes.

Submissions (5):

Labcorp Genetics (formerly Invitae), Labcorp
Classification: Uncertain significance for Hypertrophic cardiomyopathy. Last evaluated: 2018-10-10. Review status: criteria provided, single submitter. Criteria: Invitae Variant Classification Sherloc (09022015). Collection method: clinical testing. Allele origin: germline.
Comment: In summary, the available evidence is currently insufficient to determine the role of this variant in disease. Therefore, it has been classified as a Variant of Uncertain Significance. Algorithms developed to predict the effect of missense changes on protein structure and function are either unavailable or do not agree on the potential impact of this missense change (SIFT: "Deleterious"; PolyPhen-2: "Benign"; Align-GVGD: "Class C0"). This variant has not been reported in the literature in individuals with MYH7-related disease. ClinVar contains an entry for this variant (Variation ID: 312891). This variant is not present in population databases (ExAC no frequency). This sequence change replaces glutamine with histidine at codon 1736 of the MYH7 protein (p.Gln1736His). The glutamine residue is highly conserved and there is a small physicochemical difference between glutamine and histidine.

Illumina Laboratory Services, Illumina
Classification: Uncertain significance for MYH7-related skeletal myopathy. Last evaluated: 2018-01-13. Review status: criteria provided, single submitter. Criteria: ICSL Variant Classification Criteria 13 December 2019. Collection method: clinical testing. Allele origin: germline.

Illumina Laboratory Services, Illumina
Classification: Uncertain significance for Myosin storage myopathy. Last evaluated: 2018-01-13. Review status: criteria provided, single submitter. Criteria: ICSL Variant Classification Criteria 13 December 2019. Collection method: clinical testing. Allele origin: germline.

Illumina Laboratory Services, Illumina
Classification: Uncertain significance for Hypertrophic cardiomyopathy 1. Last evaluated: 2018-01-13. Review status: criteria provided, single submitter. Criteria: ICSL Variant Classification Criteria 13 December 2019. Collection method: clinical testing. Allele origin: germline.

Illumina Laboratory Services, Illumina
Classification: Uncertain significance for Dilated cardiomyopathy 1S. Last evaluated: 2018-01-13. Review status: criteria provided, single submitter. Criteria: ICSL Variant Classification Criteria 13 December 2019. Collection method: clinical testing. Allele origin: germline.